The following is an entry in ClinVar:

NM_021098.3(CACNA1H):c.2254CCAGGC[2] (p.752PG[2])

Gene: CACNA1H (calcium voltage-gated channel subunit alpha1 H; plus strand). Cytogenetic location: 16p13.3.
Variant type: Microsatellite.
Coding change: c.2254CCAGGC[2] on transcript NM_021098.3 (MANE Select); two copies in a row of the 6-base unit CCAGGC starting at c.2254; the reference has three copies in a row; one copy, 6 bases deleted.
Protein change: p.752PG[2].
Molecular consequence: inframe deletion.
Genome position (GRCh38, 1-based): chr16:1,204,273-1,204,278, CCAGGC deleted; deleting any 6 consecutive bases within chr16:1,204,261-1,204,278 gives the same sequence; the position shown is the placement nearest the transcript's 3' end. VCF-style (leftmost placement, unchanged base first): chr16-1204260-ACCAGGC-A. GRCh37 (hg19) VCF-style: chr16-1254260-ACCAGGC-A.
Other names: c.2254CCAGGC[2], p.752PG[2] (NM_001005407.2).
Identifiers: ClinVar variation 493166 (VCV000493166.48), dbSNP rs756747669, ClinGen allele CA7800177.
Genomic context (GRCh38, chr16:1,204,260, plus strand): 5'-GCAGGACGTCCGGCACGGTGACCGCTGGGACCCCACGCGACCACCCCGTGCGACGGACAC[ACCAGGC>A]CCAGGCCCAGGCAGCCCCCAGCGGCGGGCACAGCAGAGGGCAGCCCCGGGCGAGCCAGGC-3'

ClinVar aggregate classification (germline): Conflicting classifications of pathogenicity. Review status: criteria provided, conflicting classifications (1 of 4 stars). 3 submissions from 3 submitters: Uncertain significance (2); Likely benign (1). Last evaluated 2023-01-14.

Conditions:
Hyperaldosteronism, familial, type IV (HALD4). Also called: FH IV; ALDOSTERONISM, PRIMARY, AND HYPERTENSION. Identifiers: Orphanet 642671, MedGen C4310756, MONDO:0014875, OMIM 617027.
Idiopathic generalized epilepsy. Also called: Generalised epilepsy; EIG. Identifiers: MedGen C0270850, MONDO:0005579, OMIM 600669.

Submissions (3):

Labcorp Genetics (formerly Invitae), Labcorp
Classification: Uncertain significance for Idiopathic generalized epilepsy; Hyperaldosteronism, familial, type IV. Last evaluated: 2023-01-14. Review status: criteria provided, single submitter. Criteria: Invitae Variant Classification Sherloc (09022015). Collection method: clinical testing. Allele origin: germline.
Comment: This variant has not been reported in the literature in individuals affected with CACNA1H-related conditions. This variant, c.2266_2271del, results in the deletion of 2 amino acid(s) of the CACNA1H protein (p.Pro756_Gly757del), but otherwise preserves the integrity of the reading frame. This variant is present in population databases (rs778436895, gnomAD 0.01%). Experimental studies and prediction algorithms are not available or were not evaluated, and the functional significance of this variant is currently unknown. In summary, the available evidence is currently insufficient to determine the role of this variant in disease. Therefore, it has been classified as a Variant of Uncertain Significance.

Blueprint Genetics
Classification: Likely benign. Last evaluated: 2020-05-26. Review status: criteria provided, single submitter. Criteria: ACMG Guidelines, 2015. Collection method: clinical testing. Allele origin: germline.

CeGaT Center for Human Genetics Tuebingen
Classification: Uncertain significance. Last evaluated: 2017-08-01. Review status: criteria provided, single submitter. Criteria: CeGaT Center For Human Genetics Tuebingen Variant Classification Criteria Version 2. Collection method: clinical testing. Allele origin: germline. Affected: yes. Observed: 1 variant allele.